The following is an entry in ClinVar:

ClinVar aggregate classification (germline): Uncertain significance (1 of 4 stars; one submission).

Conditions:
AHDC1-related intellectual disability - obstructive sleep apnea - mild dysmorphism syndrome. Also called: Xia-Gibbs syndrome. Identifiers: Orphanet 412069, MedGen C4014419, MONDO:0014358, OMIM 615829.

Allele frequency attached by ClinVar (database versions not stated): gnomAD exomes below 0.00001; TOPMed below 0.00001.
gnomAD v4.1: 5 of 1,599,430 alleles (0.00031%); highest among the groups gnomAD compares: South Asian, 0.0011%; no homozygotes.

Submission:

Baylor Genetics
Classification: Uncertain significance for AHDC1-related intellectual disability - obstructive sleep apnea - mild dysmorphism syndrome. Last evaluated: 2018-05-08. Review status: criteria provided, single submitter. Criteria: ACMG Guidelines, 2015. Collection method: clinical testing. Allele origin: maternal. Affected: yes.
Comment: This variant was determined to be of uncertain significance according to ACMG Guidelines, 2015 [PMID:25741868].

NM_001371928.1(AHDC1):c.4479C>T (p.Gly1493=)

Gene: AHDC1 (AT-hook DNA binding motif containing 1; minus strand). Cytogenetic location: 1p36.11.
Variant type: single nucleotide variant.
Coding change: c.4479C>T on transcript NM_001371928.1 (MANE Select); coding-DNA position 4479, C replaced by T.
Protein change: p.Gly1493=; no amino-acid change (glycine 1493 retained).
Molecular consequence: synonymous variant.
Genome position (GRCh38, 1-based): chr1:27,547,637, G>A on the plus strand (C>T on the coding strand, the complement: AHDC1 is on the minus strand). VCF-style: chr1-27547637-G-A. GRCh37 (hg19) VCF-style: chr1-27874148-G-A.
Other names: c.4479C>T, p.Gly1493= (NM_001029882.3).
Identifiers: ClinVar variation 1033214 (VCV001033214.1), dbSNP rs1414986918, ClinGen allele CA416977574.